The following is an entry in ClinVar:

ClinVar aggregate classification (germline): Likely pathogenic (1 of 4 stars; one submission).

Conditions:
Neuronopathy, distal hereditary motor, autosomal recessive 4. Also called: NEUROPATHY, DISTAL HEREDITARY MOTOR, AUTOSOMAL RECESSIVE 4; Autosomal recessive lower motor neuron disease with childhood onset. Identifiers: Orphanet 206580, MedGen C1970211, MONDO:0012608, OMIM 611067.
Charcot-Marie-Tooth disease recessive intermediate C. Also called: CHARCOT-MARIE-TOOTH NEUROPATHY, RECESSIVE INTERMEDIATE C. Identifiers: Orphanet 369867, MedGen C3809309, MONDO:0014154, OMIM 615376.

Submission:

Labcorp Genetics (formerly Invitae), Labcorp
Classification: Likely pathogenic for Neuronopathy, distal hereditary motor, autosomal recessive 4; Charcot-Marie-Tooth disease recessive intermediate C. Last evaluated: 2022-11-15. Review status: criteria provided, single submitter. Criteria: Invitae Variant Classification Sherloc (09022015). Collection method: clinical testing. Allele origin: germline.
Comment: Algorithms developed to predict the effect of sequence changes on RNA splicing suggest that this variant may disrupt the consensus splice site. This variant has not been reported in the literature in individuals affected with PLEKHG5-related conditions. This variant is not present in population databases (gnomAD no frequency). This sequence change affects an acceptor splice site in intron 13 of the PLEKHG5 gene. It is expected to disrupt RNA splicing. Variants that disrupt the donor or acceptor splice site typically lead to a loss of protein function (PMID: 16199547), and loss-of-function variants in PLEKHG5 are known to be pathogenic (PMID: 17564964, 23777631). In summary, the currently available evidence indicates that the variant is pathogenic, but additional data are needed to prove that conclusively. Therefore, this variant has been classified as Likely Pathogenic.

Literature cited by the submitters: PubMed 16199547; PubMed 17564964; PubMed 23777631.

NM_020631.6(PLEKHG5):c.1393-2A>C

Gene: PLEKHG5 (pleckstrin homology and RhoGEF domain containing G5; minus strand). Cytogenetic location: 1p36.31.
Variant type: single nucleotide variant.
Coding change: c.1393-2A>C on transcript NM_020631.6 (MANE Select); the canonical splice acceptor site of the intron before coding-DNA position 1393, A replaced by C.
Molecular consequence: splice acceptor variant.
Genome position (GRCh38, 1-based): chr1:6,470,886, T>G on the plus strand (A>C on the coding strand, the complement: PLEKHG5 is on the minus strand). VCF-style: chr1-6470886-T-G. GRCh37 (hg19) VCF-style: chr1-6530946-T-G.
Other names: c.1393-2A>C (NM_198681.4, NM_001265594.3, NM_001042664.2 and 1 more transcripts); c.1504-2A>C (NM_001042663.3, NM_001265592.2); c.1600-2A>C (NM_001265593.2).
Identifiers: ClinVar variation 2941575 (VCV002941575.3), dbSNP rs2523157602, ClinGen allele CA338127278.
Genomic context (GRCh38, chr1:6,470,886, plus strand): 5'-GGTTTGGCCAGCATGTCGCTCAGCTTCAGCCTCTGGCACTGTGGGTGCTTCTCCGCCCAC[T>G]GCGGTGGGGGAGTGGGGGCGGGCTCAGGGCAGGCCCCGCCCCACCCGGCCCCGTCCAGGG-3'